The following is an entry in ClinVar:

NM_001365999.1(SZT2):c.9257C>T (p.Pro3086Leu)

Gene: SZT2 (SZT2 subunit of KICSTOR complex; plus strand). Cytogenetic location: 1p34.2.
Variant type: single nucleotide variant.
Coding change: c.9257C>T on transcript NM_001365999.1 (MANE Select); coding-DNA position 9257, C replaced by T.
Protein change: p.Pro3086Leu; replaces proline 3086 with leucine.
Molecular consequence: missense variant.
Genome position (GRCh38, 1-based): chr1:43,447,139, C>T. VCF-style: chr1-43447139-C-T. GRCh37 (hg19) VCF-style: chr1-43912810-C-T.
Other names: c.9086C>T, p.Pro3029Leu (NM_015284.4); short protein forms P3029L, P3086L.
Identifiers: ClinVar variation 659149 (VCV000659149.8), dbSNP rs1286864054, ClinGen allele CA340042597.

ClinVar aggregate classification (germline): Uncertain significance. Review status: criteria provided, multiple submitters, no conflicts (2 of 4 stars). 2 submissions from 2 submitters: Uncertain significance (2). Last evaluated 2021-09-01.

Allele frequency attached by ClinVar (database versions not stated): gnomAD 0.00001; gnomAD exomes 0.00001; TOPMed 0.00002.
gnomAD v4.1: 9 of 1,613,136 alleles (0.00056%); highest among the groups gnomAD compares: African/African-American, 0.0027%; no homozygotes.

Submissions (2):

Labcorp Genetics (formerly Invitae), Labcorp
Classification: Uncertain significance. Last evaluated: 2021-09-01. Review status: criteria provided, single submitter. Criteria: Invitae Variant Classification Sherloc (09022015). Collection method: clinical testing. Allele origin: germline.
Comment: This sequence change replaces proline with leucine at codon 3029 of the SZT2 protein (p.Pro3029Leu). The proline residue is highly conserved and there is a moderate physicochemical difference between proline and leucine. This variant is not present in population databases (ExAC no frequency). This variant has not been reported in the literature in individuals affected with SZT2-related conditions. Algorithms developed to predict the effect of missense changes on protein structure and function are either unavailable or do not agree on the potential impact of this missense change (SIFT: "Deleterious"; PolyPhen-2: "Probably Damaging"; Align-GVGD: "Class C0"). In summary, the available evidence is currently insufficient to determine the role of this variant in disease. Therefore, it has been classified as a Variant of Uncertain Significance.

Breakthrough Genomics
Classification: Uncertain significance. Review status: criteria provided, single submitter. Criteria: ACMG Guidelines, 2015. Collection method: not provided. Allele origin: germline. Inheritance: Autosomal recessive inheritance. Affected: yes.